The following is an entry in ClinVar:

NM_012414.4(RAB3GAP2):c.1283C>A (p.Ala428Glu)

Gene: RAB3GAP2 (RAB3 GTPase activating non-catalytic protein subunit 2; minus strand). Cytogenetic location: 1q41.
Variant type: single nucleotide variant.
Coding change: c.1283C>A on transcript NM_012414.4 (MANE Select); coding-DNA position 1283, C replaced by A.
Protein change: p.Ala428Glu; replaces alanine 428 with glutamic acid.
Molecular consequence: missense variant.
Genome position (GRCh38, 1-based): chr1:220,191,272, G>T on the plus strand (C>A on the coding strand, the complement: RAB3GAP2 is on the minus strand). VCF-style: chr1-220191272-G-T. GRCh37 (hg19) VCF-style: chr1-220364614-G-T.
Other names: short protein forms A428E.
Identifiers: ClinVar variation 870511 (VCV000870511.2), dbSNP rs1658614059, ClinGen allele CA344645750.

ClinVar aggregate classification (germline): Likely pathogenic (1 of 4 stars; one submission).

Conditions:
Martsolf syndrome (MARTS). Also called: Congenital cataract with intellectual disability and hypogonadotropic hypogonadism syndrome. Identifiers: Orphanet 1387, MedGen C0796037, MONDO:0023910.

gnomAD v4.1: 6 of 1,607,152 alleles (0.00037%); highest among the groups gnomAD compares: Non-Finnish European, 0.00042%; no homozygotes.

Submission:

Reproductive Endocrine Unit, Massachusetts General Hospital
Classification: Likely pathogenic for Martsolf syndrome 1. Last evaluated: 2020-02-01. Review status: criteria provided, single submitter. Criteria: ACMG Guidelines, 2015. Collection method: research. Allele origin: maternal. Inheritance: Autosomal recessive inheritance. Affected: no.